The following is an entry in ClinVar:

ClinVar aggregate classification (germline): Benign/Likely benign. Review status: criteria provided, multiple submitters, no conflicts (2 of 4 stars). 27 submissions from 20 submitters: Benign (17); Likely benign (4). 6 of the submissions do not count toward it. Last evaluated 2026-02-03.

Conditions:
TTN-related disorder. Also called: TTN-related condition; TTN-related disease; TTN-related disorders.
Cardiovascular phenotype. Identifiers: MedGen CN230736.
Dilated cardiomyopathy 1G (CMD1G). Identifiers: Orphanet 154, MedGen C1858763, MONDO:0011400, OMIM 604145.
Autosomal recessive limb-girdle muscular dystrophy type 2J (LGMDR10). Also called: Limb-girdle muscular dystrophy, type 2J; MUSCULAR DYSTROPHY, LIMB-GIRDLE, AUTOSOMAL RECESSIVE 10. Identifiers: Orphanet 140922, MedGen C1837342, MONDO:0012127, OMIM 608807.
Cardiomyopathy (CMYO). Also called: Cardiomyopathies. Identifiers: Orphanet 167848, MedGen C0878544, MONDO:0004994, HP:0001638. Inheritance: Various modes of inheritance.
Early-onset myopathy with fatal cardiomyopathy (CMYO5). Also called: CONGENITAL MYOPATHY 5 WITH CARDIOMYOPATHY; Salih Myopathy. Identifiers: Orphanet 289377, MedGen C2673677, MONDO:0012714, OMIM 611705. Disease mechanism: loss of function.
Tibial muscular dystrophy (TMD). Also called: Tibial muscular dystrophy, tardive; Udd Distal Myopathy – Tibial Muscular Dystrophy; UDD MYOPATHY. Identifiers: Orphanet 609, MedGen C1838244, MONDO:0010870, OMIM 600334.
Myopathy, myofibrillar, 9, with early respiratory failure (MFM9). Also called: Myopathy, distal, with early respiratory failure, autosomal dominant; EDSTROM MYOPATHY; MYOPATHY, PROXIMAL, WITH EARLY RESPIRATORY MUSCLE INVOLVEMENT; Hereditary myopathy with early respiratory failure. Identifiers: Orphanet 178464, Orphanet 34521, MedGen C1863599, MONDO:0011362, OMIM 603689.

Allele frequency attached by ClinVar (database versions not stated): TOPMed 0.00105; gnomAD 0.00109 and 0.00181; 1000 Genomes Project 30x 0.00593; gnomAD exomes 0.00363 and 0.00215; ExAC 0.00442; ESP Exome Variant Server 0.00135; 1000 Genomes Project 0.00599.
gnomAD v4.1: 3,435 of 1,596,948 alleles (0.22%); highest among the groups gnomAD compares: South Asian, 2.1%; 53 homozygotes.

Submissions (27):

Labcorp Genetics (formerly Invitae), Labcorp
Classification: Benign for Dilated cardiomyopathy 1G; Autosomal recessive limb-girdle muscular dystrophy type 2J. Last evaluated: 2026-02-03. Review status: criteria provided, single submitter. Criteria: Invitae Variant Classification Sherloc (09022015). Collection method: clinical testing. Allele origin: germline.

ARUP Laboratories, Molecular Genetics and Genomics, ARUP Laboratories
Classification: Benign. Last evaluated: 2025-06-23. Review status: criteria provided, single submitter. Criteria: ARUP Molecular Germline Variant Investigation Process 2024. Collection method: clinical testing. Allele origin: germline.

Molecular Diagnostic Laboratory for Inherited Cardiovascular Disease, Montreal Heart Institute
Classification: Benign. Last evaluated: 2025-04-09. Review status: criteria provided, single submitter. Criteria: ACMG Guidelines, 2015. Collection method: clinical testing. Allele origin: germline. Affected: no.

Athena Diagnostics
Classification: Benign. Last evaluated: 2025-01-21. Review status: criteria provided, single submitter. Criteria: Athena Diagnostics Criteria. Collection method: clinical testing. Allele origin: unknown.
Comment: The frequency of this variant in the general population is higher than would generally be expected for pathogenic variants in this gene.

Mayo Clinic Laboratories, Mayo Clinic
Classification: Benign. Last evaluated: 2023-06-16. Review status: criteria provided, single submitter. Criteria: ACMG Guidelines, 2015. Collection method: clinical testing. Allele origin: germline. Observed: 8 variant alleles.
Comment: BS1, BS2

Genome-Nilou Lab
Classification: Benign for Autosomal recessive limb-girdle muscular dystrophy type 2J. Last evaluated: 2021-09-10. Review status: criteria provided, single submitter. Criteria: ACMG Guidelines, 2015. Collection method: clinical testing. Allele origin: germline. Affected: no.

Genome-Nilou Lab
Classification: Benign for Myopathy, myofibrillar, 9, with early respiratory failure. Last evaluated: 2021-09-10. Review status: criteria provided, single submitter. Criteria: ACMG Guidelines, 2015. Collection method: clinical testing. Allele origin: germline. Affected: no.

Genome-Nilou Lab
Classification: Benign for Early-onset myopathy with fatal cardiomyopathy. Last evaluated: 2021-09-10. Review status: criteria provided, single submitter. Criteria: ACMG Guidelines, 2015. Collection method: clinical testing. Allele origin: germline. Affected: no.

Genome-Nilou Lab
Classification: Benign for Tibial muscular dystrophy. Last evaluated: 2021-09-10. Review status: criteria provided, single submitter. Criteria: ACMG Guidelines, 2015. Collection method: clinical testing. Allele origin: germline. Affected: no.

Women's Health and Genetics/Laboratory Corporation of America, LabCorp
Classification: Benign. Last evaluated: 2020-01-06. Review status: criteria provided, single submitter. Criteria: LabCorp Variant Classification Summary - May 2015. Collection method: clinical testing. Allele origin: germline.

Illumina Laboratory Services, Illumina
Classification: Likely benign for Autosomal recessive limb-girdle muscular dystrophy type 2J. Last evaluated: 2018-01-12. Review status: criteria provided, single submitter. Criteria: ICSL Variant Classification Criteria 13 December 2019. Collection method: clinical testing. Allele origin: germline.
Comment: This variant was observed in the ICSL laboratory as part of a predisposition screen in an ostensibly healthy population. It had not been previously curated by ICSL or reported in the Human Gene Mutation Database (HGMD: prior to June 1st, 2018), and was therefore a candidate for classification through an automated scoring system. Utilizing variant allele frequency, disease prevalence and penetrance estimates, and inheritance mode, an automated score was calculated to assess if this variant is too frequent to cause the disease. Based on the score and internal cut-off values, a variant classified as likely benign is not then subjected to further curation. The score for this variant resulted in a classification of likely benign for this disease.

Illumina Laboratory Services, Illumina
Classification: Likely benign for Early-onset myopathy with fatal cardiomyopathy. Last evaluated: 2018-01-12. Review status: criteria provided, single submitter. Criteria: ICSL Variant Classification Criteria 13 December 2019. Collection method: clinical testing. Allele origin: germline.
Comment: the same text as in the submission from Illumina Laboratory Services, Illumina above.

Illumina Laboratory Services, Illumina
Classification: Benign for Tibial muscular dystrophy. Last evaluated: 2018-01-12. Review status: criteria provided, single submitter. Criteria: ICSL Variant Classification Criteria 13 December 2019. Collection method: clinical testing. Allele origin: germline.
Comment: This variant was observed in the ICSL laboratory as part of a predisposition screen in an ostensibly healthy population. It had not been previously curated by ICSL or reported in the Human Gene Mutation Database (HGMD: prior to June 1st, 2018), and was therefore a candidate for classification through an automated scoring system. Utilizing variant allele frequency, disease prevalence and penetrance estimates, and inheritance mode, an automated score was calculated to assess if this variant is too frequent to cause the disease. Based on the score and internal cut-off values, a variant classified as benign is not then subjected to further curation. The score for this variant resulted in a classification of benign for this disease.

Illumina Laboratory Services, Illumina
Classification: Benign for Myopathy, myofibrillar, 9, with early respiratory failure. Last evaluated: 2018-01-12. Review status: criteria provided, single submitter. Criteria: ICSL Variant Classification Criteria 13 December 2019. Collection method: clinical testing. Allele origin: germline.
Comment: the same text as in the submission from Illumina Laboratory Services, Illumina above.

Illumina Laboratory Services, Illumina
Classification: Likely benign for Dilated cardiomyopathy 1G. Last evaluated: 2018-01-12. Review status: criteria provided, single submitter. Criteria: ICSL Variant Classification Criteria 13 December 2019. Collection method: clinical testing. Allele origin: germline.
Comment: the same text as in the submission from Illumina Laboratory Services, Illumina above.

CHEO Genetics Diagnostic Laboratory, Children's Hospital of Eastern Ontario
Classification: Benign for Cardiomyopathy. Last evaluated: 2016-03-15. Review status: criteria provided, single submitter. Criteria: ACMG Guidelines, 2015. Collection method: clinical testing. Allele origin: germline. Study: Canadian Open Genetics Repository.

Ambry Genetics
Classification: Benign for Cardiovascular phenotype. Last evaluated: 2016-01-06. Review status: criteria provided, single submitter. Criteria: Ambry Variant Classification Scheme 2023. Collection method: clinical testing. Allele origin: germline.

Eurofins Ntd Llc (ga)
Classification: Benign. Last evaluated: 2015-09-03. Review status: criteria provided, single submitter. Criteria: EGL Classification Definitions 2015. Collection method: clinical testing. Allele origin: germline. Observed: 1 variant allele, 1 heterozygote.

Laboratory for Molecular Medicine, Mass General Brigham Personalized Medicine
Classification: Benign. Last evaluated: 2015-04-28. Review status: criteria provided, single submitter. Criteria: LMM Criteria. Collection method: clinical testing. Allele origin: germline. Observed: 14 variant alleles.
Comment: p.Glu33332Glu in exon 312 of TTN: This variant is not expected to have clinical significance because it has been identified in 2.5% (379/15378) of South Asian c hromosomes, including 8 homozygotes, by the Exome Aggregation Consortium (ExAC; dbSNP rs55832587).

GeneDx
Classification: Benign. Last evaluated: 2012-12-19. Review status: criteria provided, single submitter. Criteria: GeneDx Variant Classification (06012015). Collection method: clinical testing. Allele origin: germline. Affected: yes.
Comment: This variant is considered likely benign or benign based on one or more of the following criteria: it is a conservative change, it occurs at a poorly conserved position in the protein, it is predicted to be benign by multiple in silico algorithms, and/or has population frequency not consistent with disease.

Breakthrough Genomics
Classification: Likely benign. Review status: criteria provided, single submitter. Criteria: ACMG Guidelines, 2015. Collection method: not provided. Allele origin: germline. Inheritance: Autosomal recessive inheritance. Affected: yes.

PreventionGenetics, part of Exact Sciences
Classification: Benign for TTN-related condition. Last evaluated: 2022-11-14. Review status: no assertion criteria provided. Collection method: clinical testing. Allele origin: germline. Not counted in ClinVar's aggregate classification.
Comment: This variant is classified as benign based on ACMG/AMP sequence variant interpretation guidelines (Richards et al. 2015 PMID: 25741868, with internal and published modifications).

Clinical Genetics DNA and cytogenetics Diagnostics Lab, Erasmus MC, Erasmus Medical Center
Classification: Likely benign. Review status: no assertion criteria provided. Collection method: clinical testing. Allele origin: germline. Affected: yes. Study: VKGL Data-share Consensus. Not counted in ClinVar's aggregate classification.

Clinical Genetics, Academic Medical Center
Classification: Benign. Review status: no assertion criteria provided. Collection method: clinical testing. Allele origin: germline. Affected: yes. Study: VKGL Data-share Consensus. Not counted in ClinVar's aggregate classification.

Diagnostic Laboratory, Department of Genetics, University Medical Center Groningen
Classification: Likely benign. Review status: no assertion criteria provided. Collection method: clinical testing. Allele origin: germline. Affected: yes. Study: VKGL Data-share Consensus. Not counted in ClinVar's aggregate classification.

Joint Genome Diagnostic Labs from Nijmegen and Maastricht, Radboudumc and MUMC+
Classification: Benign. Review status: no assertion criteria provided. Collection method: clinical testing. Allele origin: germline. Affected: yes. Study: VKGL Data-share Consensus. Not counted in ClinVar's aggregate classification.

Laboratory of Diagnostic Genome Analysis, Leiden University Medical Center (LUMC)
Classification: Likely benign. Review status: no assertion criteria provided. Collection method: clinical testing. Allele origin: germline. Affected: yes. Study: VKGL Data-share Consensus. Not counted in ClinVar's aggregate classification.

Literature cited by the submitters: PubMed 19911250 (cited by Athena Diagnostics).

NM_001267550.2(TTN):c.107700A>G (p.Glu35900=)

Genes: TTN (titin; minus strand), TTN-AS1 (TTN antisense RNA 1; plus strand). Cytogenetic location: 2q31.2.
Variant type: single nucleotide variant.
Coding change: c.107700A>G on transcript NM_001267550.2 (MANE Select); coding-DNA position 107700, A replaced by G.
Protein change: p.Glu35900=; no amino-acid change (glutamic acid 35900 retained).
Molecular consequence: synonymous variant.
Genome position (GRCh38, 1-based): chr2:178,527,288, T>C on the plus strand (A>G on the coding strand, the complement: TTN is on the minus strand). VCF-style: chr2-178527288-T-C. GRCh37 (hg19) VCF-style: chr2-179392015-T-C.
Other names: p.E34259E:GAA>GAG; p.Glu34259=; c.102777A>G, p.Glu34259= (NM_001256850.1); c.80505A>G, p.Glu26835= (NM_003319.4); c.99996A>G, p.Glu33332= (NM_133378.4); c.80880A>G, p.Glu26960= (NM_133432.3); c.81081A>G, p.Glu27027= (NM_133437.4).
Identifiers: ClinVar variation 47723 (VCV000047723.54), dbSNP rs55832587, ClinGen allele CA284417.